The following is an entry in ClinVar:

NM_006859.4(LIAS):c.589G>A (p.Val197Ile)

Gene: LIAS (lipoic acid synthetase; plus strand). Cytogenetic location: 4p14.
Variant type: single nucleotide variant.
Coding change: c.589G>A on transcript NM_006859.4 (MANE Select); coding-DNA position 589, G replaced by A.
Protein change: p.Val197Ile; replaces valine 197 with isoleucine.
Molecular consequence: missense variant. On other transcripts: intron variant (1).
Genome position (GRCh38, 1-based): chr4:39,465,323, G>A. VCF-style: chr4-39465323-G-A. GRCh37 (hg19) VCF-style: chr4-39466943-G-A.
Other names: c.589G>A, p.Val197Ile (NM_001278590.2, NM_194451.3); c.299+1718G>A (NM_001363700.2); short protein forms V197I.
Identifiers: ClinVar variation 945321 (VCV000945321.9), dbSNP rs143321910, ClinGen allele CA2894712.

ClinVar aggregate classification (germline): Uncertain significance. Review status: criteria provided, multiple submitters, no conflicts (2 of 4 stars). 2 submissions from 2 submitters: Uncertain significance (2). Last evaluated 2025-10-02.

Conditions:
Lipoic acid synthetase deficiency. Also called: HYPERGLYCINEMIA, LACTIC ACIDOSIS, AND SEIZURES. Identifiers: Orphanet 401859, MedGen C3280887, MONDO:0013762, OMIM 614462.

Allele frequency attached by ClinVar (database versions not stated): gnomAD 0.00001 and 0.00003; TOPMed 0.00001; 1000 Genomes Project 0.00040; 1000 Genomes Project 30x 0.00047.
gnomAD v4.1: 32 of 1,610,392 alleles (0.002%); highest among the groups gnomAD compares: East Asian, 0.0089%; no homozygotes.

Submissions (2):

Labcorp Genetics (formerly Invitae), Labcorp
Classification: Uncertain significance for Lipoic acid synthetase deficiency. Last evaluated: 2025-10-02. Review status: criteria provided, single submitter. Criteria: Invitae Variant Classification Sherloc (09022015). Collection method: clinical testing. Allele origin: germline.
Comment: This sequence change replaces valine, which is neutral and non-polar, with isoleucine, which is neutral and non-polar, at codon 197 of the LIAS protein (p.Val197Ile). The frequency data for this variant in the population databases is considered unreliable, as metrics indicate poor data quality at this position in the gnomAD database. This variant has not been reported in the literature in individuals affected with LIAS-related conditions. ClinVar contains an entry for this variant (Variation ID: 945321). Invitae Evidence Modeling of protein sequence and biophysical properties (such as structural, functional, and spatial information, amino acid conservation, physicochemical variation, residue mobility, and thermodynamic stability) indicates that this missense variant is not expected to disrupt LIAS protein function with a negative predictive value of 80%. In summary, the available evidence is currently insufficient to determine the role of this variant in disease. Therefore, it has been classified as a Variant of Uncertain Significance.

Blueprint Genetics
Classification: Uncertain significance. Last evaluated: 2021-12-07. Review status: criteria provided, single submitter. Criteria: ACMG Guidelines, 2015. Collection method: clinical testing. Allele origin: germline.